The following is an entry in ClinVar:

NM_003560.4(PLA2G6):c.609G>A (p.Gln203=)

Gene: PLA2G6 (phospholipase A2 group VI; minus strand). Cytogenetic location: 22q13.1.
Variant type: single nucleotide variant.
Coding change: c.609G>A on transcript NM_003560.4 (MANE Select); coding-DNA position 609, G replaced by A.
Protein change: p.Gln203=; no amino-acid change (glutamine 203 retained).
Molecular consequence: synonymous variant. On other transcripts: missense variant (1).
Genome position (GRCh38, 1-based): chr22:38,143,105, C>T on the plus strand (G>A on the coding strand, the complement: PLA2G6 is on the minus strand). VCF-style: chr22-38143105-C-T. GRCh37 (hg19) VCF-style: chr22-38539112-C-T.
Other names: c.609G>A, p.Gln203= (NM_001004426.3, NM_001199562.3, NM_001349864.2 and 2 more transcripts); c.75G>A, p.Gln25= (NM_001349867.2, NM_001349869.2); c.119G>A, p.Arg40Lys (NM_001349868.2); short protein forms R40K.
Identifiers: ClinVar variation 2138450 (VCV002138450.4), dbSNP rs2518055666, ClinGen allele CA514553483.

ClinVar aggregate classification (germline): Uncertain significance (1 of 4 stars; one submission).

Conditions:
Infantile neuroaxonal dystrophy (NBIA2A). Also called: NEURODEGENERATION WITH BRAIN IRON ACCUMULATION 2A; SEITELBERGER DISEASE; Infantile neuroaxonal dystrophy 1. Identifiers: Orphanet 35069, MedGen C0270724, MONDO:0024457, OMIM 256600.

Submission:

Labcorp Genetics (formerly Invitae), Labcorp
Classification: Uncertain significance for Infantile neuroaxonal dystrophy. Last evaluated: 2022-09-09. Review status: criteria provided, single submitter. Criteria: Invitae Variant Classification Sherloc (09022015). Collection method: clinical testing. Allele origin: germline.
Comment: This sequence change affects codon 203 of the PLA2G6 mRNA. It is a 'silent' change, meaning that it does not change the encoded amino acid sequence of the PLA2G6 protein. RNA analysis indicates that this variant induces altered splicing and likely results in the loss of 3 amino acid residue(s), but is expected to preserve the integrity of the reading-frame. This variant is not present in population databases (gnomAD no frequency). This variant has been observed in individual(s) with dystonia - parkinsonism (PMID: 26668131). In at least one individual the data is consistent with being in trans (on the opposite chromosome) from a pathogenic variant. Studies have shown that this variant alters PLA2G6 gene expression (PMID: 26668131). Variants that disrupt the consensus splice site are a relatively common cause of aberrant splicing (PMID: 17576681, 9536098). Studies have shown that this variant results in the activation of a cryptic splice site in exon 4 (PMID: 26668131). In summary, the available evidence is currently insufficient to determine the role of this variant in disease. Therefore, it has been classified as a Variant of Uncertain Significance.

Literature cited by the submitters: PubMed 26668131; PubMed 17576681; PubMed 9536098.